The following is an entry in ClinVar:

NM_000245.4(MET):c.1933G>C (p.Gly645Arg)

Gene: MET (MET proto-oncogene, receptor tyrosine kinase; plus strand). Cytogenetic location: 7q31.2.
Variant type: single nucleotide variant.
Coding change: c.1933G>C on transcript NM_000245.4 (MANE Select); coding-DNA position 1933, G replaced by C.
Protein change: p.Gly645Arg; replaces glycine 645 with arginine.
Molecular consequence: missense variant.
Genome position (GRCh38, 1-based): chr7:116,757,507, G>C. VCF-style: chr7-116757507-G-C. GRCh37 (hg19) VCF-style: chr7-116397561-G-C.
Other names: c.1933G>C, p.Gly645Arg (NM_001127500.3, NM_001324401.3); c.643G>C, p.Gly215Arg (NM_001324402.2); short protein forms G645R, G215R.
Identifiers: ClinVar variation 1782924 (VCV001782924.2), dbSNP rs763849125, ClinGen allele CA368979437.

ClinVar aggregate classification (germline): Uncertain significance (1 of 4 stars; one submission).

Conditions:
Hereditary cancer-predisposing syndrome. Also called: Neoplastic Syndromes, Hereditary; Tumor predisposition; Hereditary Cancer Syndrome; Hereditary neoplastic syndrome. Identifiers: Orphanet 140162, MedGen C0027672, MeSH D009386, MONDO:0015356.

Allele frequency attached by ClinVar (database versions not stated): TOPMed below 0.00001.

Submission:

Ambry Genetics
Classification: Uncertain significance for Hereditary cancer-predisposing syndrome. Last evaluated: 2021-10-20. Review status: criteria provided, single submitter. Criteria: Ambry Variant Classification Scheme 2023. Collection method: clinical testing. Allele origin: germline.
Comment: The p.G645R variant (also known as c.1933G>C), located in coding exon 6 of the MET gene, results from a G to C substitution at nucleotide position 1933. The glycine at codon 645 is replaced by arginine, an amino acid with dissimilar properties. This amino acid position is not well conserved in available vertebrate species. In addition, this alteration is predicted to be tolerated by in silico analysis. Since supporting evidence is limited at this time, the clinical significance of this alteration remains unclear.